The following is an entry in ClinVar:

NM_001297436.2(HAS1):c.231C>T (p.His77=)

Gene: HAS1 (hyaluronan synthase 1; minus strand). Cytogenetic location: 19q13.41.
Variant type: single nucleotide variant.
Coding change: c.231C>T on transcript NM_001297436.2 (MANE Select); coding-DNA position 231, C replaced by T.
Protein change: p.His77=; no amino-acid change (histidine 77 retained).
Molecular consequence: synonymous variant.
Genome position (GRCh38, 1-based): chr19:51,719,674, G>A on the plus strand (C>T on the coding strand, the complement: HAS1 is on the minus strand). VCF-style: chr19-51719674-G-A. GRCh37 (hg19) VCF-style: chr19-52222927-G-A.
Other names: c.234C>T, p.His78= (NM_001523.4).
Identifiers: ClinVar variation 4872063 (VCV004872063.2).

ClinVar aggregate classification (germline): Likely benign (1 of 4 stars; one submission).

gnomAD v4.1: 9,425 of 1,552,020 alleles (0.61%); highest among the groups gnomAD compares: Admixed American, 0.89%; 37 homozygotes.

Submission:

CeGaT Center for Human Genetics Tuebingen
Classification: Likely benign. Last evaluated: 2026-04-01. Review status: criteria provided, single submitter. Criteria: CeGaT Center For Human Genetics Tuebingen Variant Classification Criteria Version 2. Collection method: clinical testing. Allele origin: germline. Affected: yes. Observed: 1 variant allele.
Comment: HAS1: BP4, BP7, BS2